The following is an entry in ClinVar:

NM_020442.6(VARS2):c.1925T>A (p.Phe642Tyr)

Genes: VARS2 (valyl-tRNA synthetase 2, mitochondrial; plus strand), LOC126859646 (MED14-independent group 3 enhancer GRCh37_chr6:30889690-30890889; plus strand). Cytogenetic location: 6p21.33.
Variant type: single nucleotide variant.
Coding change: c.1925T>A on transcript NM_020442.6 (MANE Select); coding-DNA position 1925, T replaced by A.
Protein change: p.Phe642Tyr; replaces phenylalanine 642 with tyrosine.
Molecular consequence: missense variant.
Genome position (GRCh38, 1-based): chr6:30,922,234, T>A. VCF-style: chr6-30922234-T-A. GRCh37 (hg19) VCF-style: chr6-30890011-T-A.
Other names: c.1505T>A, p.Phe502Tyr (NM_001167733.3); c.2015T>A, p.Phe672Tyr (NM_001167734.2); short protein forms F502Y, F642Y, F672Y.
Identifiers: ClinVar variation 2421247 (VCV002421247.7), dbSNP rs1422062718, ClinGen allele CA363174433.

ClinVar aggregate classification (germline): Uncertain significance (1 of 4 stars; one submission).

Allele frequency attached by ClinVar (database versions not stated): TOPMed below 0.00001.
gnomAD v4.1: 1 of 1,611,458 alleles (0.000062%); highest among the groups gnomAD compares: Admixed American, 0.0017%; no homozygotes.

Submission:

Labcorp Genetics (formerly Invitae), Labcorp
Classification: Uncertain significance. Last evaluated: 2022-08-15. Review status: criteria provided, single submitter. Criteria: Invitae Variant Classification Sherloc (09022015). Collection method: clinical testing. Allele origin: germline.
Comment: In summary, the available evidence is currently insufficient to determine the role of this variant in disease. Therefore, it has been classified as a Variant of Uncertain Significance. Algorithms developed to predict the effect of missense changes on protein structure and function are either unavailable or do not agree on the potential impact of this missense change (SIFT: "Deleterious"; PolyPhen-2: "Probably Damaging"; Align-GVGD: "Class C0"). This variant has not been reported in the literature in individuals affected with VARS2-related conditions. This variant is present in population databases (no rsID available, gnomAD 0.003%). This sequence change replaces phenylalanine, which is neutral and non-polar, with tyrosine, which is neutral and polar, at codon 672 of the VARS2 protein (p.Phe672Tyr).